The following is an entry in ClinVar:

NM_001378457.1(DMXL2):c.4346G>A (p.Ser1449Asn)

Gene: DMXL2 (Dmx like 2; minus strand). Cytogenetic location: 15q21.2.
Variant type: single nucleotide variant.
Coding change: c.4346G>A on transcript NM_001378457.1 (MANE Select); coding-DNA position 4346, G replaced by A.
Protein change: p.Ser1449Asn; replaces serine 1449 with asparagine.
Molecular consequence: missense variant. On other transcripts: non-coding transcript variant (2), intron variant (2).
Genome position (GRCh38, 1-based): chr15:51,498,878, C>T on the plus strand (G>A on the coding strand, the complement: DMXL2 is on the minus strand). VCF-style: chr15-51498878-C-T. GRCh37 (hg19) VCF-style: chr15-51791075-C-T.
Other names: c.4346G>A, p.Ser1449Asn (NM_001174116.3, NM_001378458.1, NM_001378459.1 and 4 more transcripts); c.4106G>A, p.Ser1369Asn (NM_001378464.1); c.2765-7131G>A (NM_001378460.1); c.2765-3744G>A (NM_001174117.3); short protein forms S1449N, S1369N.
Identifiers: ClinVar variation 2181345 (VCV002181345.4), dbSNP rs755528169, ClinGen allele CA7562025.

ClinVar aggregate classification (germline): Uncertain significance (1 of 4 stars; one submission).

Allele frequency attached by ClinVar (database versions not stated): gnomAD exomes below 0.00001; ExAC 0.00002; gnomAD 0.00005; TOPMed 0.00006.
gnomAD v4.1: 10 of 1,613,968 alleles (0.00062%); highest among the groups gnomAD compares: African/African-American, 0.012%; no homozygotes.

Submission:

Labcorp Genetics (formerly Invitae), Labcorp
Classification: Uncertain significance. Last evaluated: 2022-05-28. Review status: criteria provided, single submitter. Criteria: Invitae Variant Classification Sherloc (09022015). Collection method: clinical testing. Allele origin: germline.
Comment: This sequence change replaces serine, which is neutral and polar, with asparagine, which is neutral and polar, at codon 1449 of the DMXL2 protein (p.Ser1449Asn). This variant is present in population databases (rs755528169, gnomAD 0.008%). This variant has not been reported in the literature in individuals affected with DMXL2-related conditions. Algorithms developed to predict the effect of missense changes on protein structure and function (SIFT, PolyPhen-2, Align-GVGD) all suggest that this variant is likely to be tolerated. In summary, the available evidence is currently insufficient to determine the role of this variant in disease. Therefore, it has been classified as a Variant of Uncertain Significance.